The following is an entry in ClinVar:

NM_007294.4(BRCA1):c.4054G>T (p.Glu1352Ter)

Genes: BRCA1 (BRCA1 DNA repair associated; minus strand), LOC126862571 (BRD4-independent group 4 enhancer GRCh37_chr17:41243136-41244335; plus strand). Cytogenetic location: 17q21.31.
Variant type: single nucleotide variant.
Coding change: c.4054G>T on transcript NM_007294.4 (MANE Select); coding-DNA position 4054, G replaced by T.
Protein change: p.Glu1352Ter; replaces glutamic acid 1352 with a stop codon.
Molecular consequence: nonsense. On other transcripts: intron variant (135).
Genome position (GRCh38, 1-based): chr17:43,091,477, C>A on the plus strand (G>T on the coding strand, the complement: BRCA1 is on the minus strand). VCF-style: chr17-43091477-C-A. GRCh37 (hg19) VCF-style: chr17-41243494-C-A.
Other names: c.3910G>T, p.Glu1304Ter (NM_001407749.1, NM_001407838.1, NM_001407839.1 and 20 more transcripts); c.3913G>T, p.Glu1305Ter (NM_001407750.1, NM_001407751.1, NM_001407752.1 and 29 more transcripts); c.3841G>T, p.Glu1281Ter (NM_001407853.1, NM_001407894.1, NM_001407895.1 and 9 more transcripts); c.4054G>T, p.Glu1352Ter (NM_001407854.1, NM_001407858.1, NM_001407859.1 and 30 more transcripts); c.4051G>T, p.Glu1351Ter (NM_001407860.1, NM_001407861.1, NM_001407587.1 and 22 more transcripts); c.3853G>T, p.Glu1285Ter (NM_001407862.1); c.3931G>T, p.Glu1311Ter (NM_001407863.1, NM_001407919.1, NM_001407937.1 and 19 more transcripts); c.3850G>T, p.Glu1284Ter (NM_001407874.1, NM_001407875.1); and 41 more; short protein forms E1352*, E1305*, E1241*, E1285*, E1304*, E1311*, E1351*, E1224*.
Identifiers: ClinVar variation 91620 (VCV000091620.17), dbSNP rs80357202, ClinGen allele CA002590.

ClinVar aggregate classification (germline): Pathogenic. Review status: reviewed by expert panel (3 of 4 stars). 8 submissions from 8 submitters: Pathogenic (1). 7 of the submissions do not count toward it. Last evaluated 2016-09-08.

Conditions:
Hereditary cancer-predisposing syndrome. Also called: Hereditary Cancer Syndrome; Hereditary neoplastic syndrome; Neoplastic Syndromes, Hereditary; Tumor predisposition. Identifiers: Orphanet 140162, MedGen C0027672, MeSH D009386, MONDO:0015356.
Breast-ovarian cancer, familial, susceptibility to, 1 (BROVCA1). Also called: BRCA1 Hereditary Breast and Ovarian Cancer; OVARIAN CANCER, SUSCEPTIBILITY TO. Identifiers: Orphanet 145, MedGen C2676676, MONDO:0011450, OMIM 604370. Disease mechanism: loss of function.
Familial cancer of breast. Also called: hereditary breast carcinoma; BREAST CANCER, FAMILIAL; Hereditary breast cancer. Identifiers: Orphanet 227535, MedGen C0346153, MONDO:0016419, OMIM 114480. Disease mechanism: loss of function.
Fanconi anemia, complementation group S (FANCS). Identifiers: MedGen C4554406, MONDO:0054748, OMIM 617883.
Pancreatic cancer, susceptibility to, 4. Identifiers: Orphanet 1333, MedGen C3280442, MONDO:0013685, OMIM 614320.
Hereditary breast ovarian cancer syndrome. Also called: BRCA1- and BRCA2-Associated Hereditary Breast and Ovarian Cancer; Hereditary breast and ovarian cancer syndrome; Hereditary breast and ovarian cancer syndrome (HBOC); Breast and ovarian cancer; Hereditary breast and/or ovarian cancer syndrome; Hereditary breast and ovarian cancer. Identifiers: Orphanet 145, MedGen C0677776, MeSH D061325, MONDO:0003582. Disease mechanism: loss of function.

Submissions (8):

Evidence-based Network for the Interpretation of Germline Mutant Alleles (ENIGMA)
Classification: Pathogenic for Breast-ovarian cancer, familial, susceptibility to, 1. Last evaluated: 2016-09-08. Review status: reviewed by expert panel. Criteria: ENIGMA BRCA1/2 Classification Criteria (2015). Collection method: curation. Allele origin: germline.
Comment: Variant allele predicted to encode a truncated non-functional protein.

Women's Health and Genetics/Laboratory Corporation of America, LabCorp
Classification: Pathogenic for Hereditary breast ovarian cancer syndrome. Last evaluated: 2023-05-22. Review status: criteria provided, single submitter. Criteria: LabCorp Variant Classification Summary - May 2015. Collection method: clinical testing. Allele origin: germline. Not counted in ClinVar's aggregate classification.
Comment: Variant summary: BRCA1 c.4054G>T (p.Glu1352X) results in a premature termination codon, predicted to cause absence of the protein due to nonsense mediated decay, which is a commonly known mechanisms for disease. The variant was absent in 251066 control chromosomes (gnomAD). c.4054G>T has been reported in the literature in a family affected with Hereditary Breast And Ovarian Cancer Syndrome (Rebbeck_2018). The following publication has been ascertained in the context of this evaluation (PMID: 29446198). Six submitters, including an expert panel (ENIGMA), have provided clinical-significance assessments for this variant to ClinVar after 2014, and classified it as pathogenic. Based on the evidence outlined above, the variant was classified as pathogenic.

Labcorp Genetics (formerly Invitae), Labcorp
Classification: Pathogenic for Hereditary breast ovarian cancer syndrome. Last evaluated: 2021-07-16. Review status: criteria provided, single submitter. Criteria: Invitae Variant Classification Sherloc (09022015). Collection method: clinical testing. Allele origin: germline. Not counted in ClinVar's aggregate classification.
Comment: This premature translational stop signal has been observed in individual(s) with personal and/or family history of breast and/or ovarian cancer (PMID: 29446198). This variant is not present in population databases (ExAC no frequency). For these reasons, this variant has been classified as Pathogenic. Algorithms developed to predict the effect of sequence changes on RNA splicing suggest that this variant may create or strengthen a splice site. ClinVar contains an entry for this variant (Variation ID: 91620). This sequence change creates a premature translational stop signal (p.Glu1352*) in the BRCA1 gene. It is expected to result in an absent or disrupted protein product. Loss-of-function variants in BRCA1 are known to be pathogenic (PMID: 20104584).

Institute of Medical Genetics and Applied Genomics, University Hospital Tübingen
Classification: Pathogenic. Last evaluated: 2020-10-23. Review status: criteria provided, single submitter. Criteria: ACMG Guidelines, 2015. Collection method: clinical testing. Allele origin: germline. Inheritance: Unknown mechanism. Affected: yes. Not counted in ClinVar's aggregate classification.

Ambry Genetics
Classification: Pathogenic for Hereditary cancer-predisposing syndrome. Last evaluated: 2019-03-06. Review status: criteria provided, single submitter. Criteria: Ambry Variant Classification Scheme 2023. Collection method: clinical testing. Allele origin: germline. Not counted in ClinVar's aggregate classification.
Comment: The p.E1352* pathogenic mutation (also known as c.4054G>T), located in coding exon 9 of the BRCA1 gene, results from a G to T substitution at nucleotide position 4054. This changes the amino acid from a glutamic acid to a stop codon within coding exon 9. This alteration was identified in a large, worldwide study of BRCA1/2 mutation positive families (Rebbeck TR et al. Hum. Mutat. 2018 05;39(5):593-620). This alteration is expected to result in loss of function by premature protein truncation or nonsense-mediated mRNA decay. As such, this alteration is interpreted as a disease-causing mutation.

Fulgent Genetics
Classification: Pathogenic for Familial cancer of breast; Breast-ovarian cancer, familial, susceptibility to, 1; Pancreatic cancer, susceptibility to, 4; Fanconi anemia, complementation group S. Last evaluated: 2018-10-31. Review status: criteria provided, single submitter. Criteria: ACMG Guidelines, 2015. Collection method: clinical testing. Allele origin: unknown. Not counted in ClinVar's aggregate classification.

Consortium of Investigators of Modifiers of BRCA1/2 (CIMBA), c/o University of Cambridge
Classification: Pathogenic for Breast-ovarian cancer, familial, susceptibility to, 1. Last evaluated: 2015-10-02. Review status: criteria provided, single submitter. Criteria: CIMBA Mutation Classification guidelines May 2016. Collection method: clinical testing. Allele origin: germline. Not counted in ClinVar's aggregate classification.

Sharing Clinical Reports Project (SCRP)
Classification: Pathogenic for Breast-ovarian cancer, familial 1. Last evaluated: 2010-04-15. Review status: no assertion criteria provided. Collection method: clinical testing. Allele origin: germline. Not counted in ClinVar's aggregate classification.

Literature cited by the submitters: PubMed 29446198 (cited by Women's Health and Genetics/Laboratory Corporation of America, LabCorp and Labcorp Genetics (formerly Invitae), Labcorp); PubMed 20104584 (cited by Labcorp Genetics (formerly Invitae), Labcorp).